The following is an entry in ClinVar:

NM_001987.5(ETV6):c.1227G>A (p.Lys409=)

Gene: ETV6 (ETS variant transcription factor 6; plus strand). Cytogenetic location: 12p13.2.
Variant type: single nucleotide variant.
Coding change: c.1227G>A on transcript NM_001987.5 (MANE Select); coding-DNA position 1227, G replaced by A.
Protein change: p.Lys409=; no amino-acid change (lysine 409 retained).
Molecular consequence: synonymous variant. On other transcripts: intron variant (1).
Genome position (GRCh38, 1-based): chr12:11,886,000, G>A. VCF-style: chr12-11886000-G-A. GRCh37 (hg19) VCF-style: chr12-12038934-G-A.
Other names: c.1224G>A, p.Lys408= (NM_001413913.1); c.1200G>A, p.Lys400= (NM_001413914.1); c.963G>A, p.Lys321= (NM_001413915.1); c.1010-4941G>A (NM_001413917.1).
Identifiers: ClinVar variation 3354641 (VCV003354641.2).
Genomic context (GRCh38, chr12:11,886,000, plus strand): 5'-GACCTATGAGAAAATGTCCAGAGCCCTGCGCCACTACTACAAACTAAACATTATCAGGAA[G>A]GAGCCAGGACAAAGGCTTTTGTTCAGGTAGCACTTCCTTTTTCTCCTTTCCTTCTTTTGG-3'
Protein context (NP_001978.1, residues 399-419): RHYYKLNIIR[Lys409=]EPGQRLLFRF

ClinVar aggregate classification (germline): Likely benign. Review status: criteria provided, single submitter (1 of 4 stars). 2 submissions from 2 submitters: Likely benign (1). 1 of the submissions does not count toward it. Last evaluated 2025-12-03.

Conditions:
ETV6-related disorder. Also called: ETV6-related condition.

gnomAD v4.1: 1 of 1,613,740 alleles (0.000062%); no homozygotes.

Submissions (2):

Labcorp Genetics (formerly Invitae), Labcorp
Classification: Likely benign. Last evaluated: 2025-12-03. Review status: criteria provided, single submitter. Criteria: Invitae Variant Classification Sherloc (09022015). Collection method: clinical testing. Allele origin: germline.

PreventionGenetics, part of Exact Sciences
Classification: Likely benign for ETV6-related condition. Last evaluated: 2024-07-17. Review status: no assertion criteria provided. Collection method: clinical testing. Allele origin: germline. Not counted in ClinVar's aggregate classification.
Comment: This variant is classified as likely benign based on ACMG/AMP sequence variant interpretation guidelines (Richards et al. 2015 PMID: 25741868, with internal and published modifications).